The following is an entry in ClinVar:

ClinVar aggregate classification (germline): Uncertain significance. Review status: criteria provided, multiple submitters, no conflicts (2 of 4 stars). 2 submissions from 2 submitters: Uncertain significance (2). Last evaluated 2025-02-11.

Conditions:
Joubert syndrome 21 (JBTS21). Identifiers: MedGen C3810212, MONDO:0014288, OMIM 615636.

Allele frequency attached by ClinVar (database versions not stated): TOPMed below 0.00001; gnomAD 0.00001; ExAC 0.00003; gnomAD exomes 0.00003.
gnomAD v4.1: 48 of 1,541,934 alleles (0.0031%); highest among the groups gnomAD compares: Non-Finnish European, 0.0041%; no homozygotes.

Submissions (2):

Medical Genetics Clinic, University of Catania
Classification: Uncertain significance for Joubert syndrome 21. Last evaluated: 2025-02-11. Review status: criteria provided, single submitter. Criteria: ACMG Guidelines, 2015. Collection method: clinical testing. Allele origin: maternal. Inheritance: Autosomal recessive inheritance. Affected: yes. Observed: 1 compound heterozygote.
Comment: The c.1049G>A variant replaces serine with asparagine at codon 350 of the CSPP1 protein (p.Ser350Asn). In silico computational software (PolyPhen2, SIFT) suggest the possibility of a detrimental effect on the structure/activity of the resulting protein. The variant is present in Gnomad_Exome_AF (f=0,00001617). This variant has not been reported in the literature in individuals affected with CSPP1-related conditions. The available evidence is currently insufficient to determine the role of this variant in disease. Therefore, it has been classified as a Variant of Uncertain Significance.

Labcorp Genetics (formerly Invitae), Labcorp
Classification: Uncertain significance for Joubert syndrome 21. Last evaluated: 2024-10-25. Review status: criteria provided, single submitter. Criteria: Invitae Variant Classification Sherloc (09022015). Collection method: clinical testing. Allele origin: germline.
Comment: This sequence change replaces serine, which is neutral and polar, with asparagine, which is neutral and polar, at codon 350 of the CSPP1 protein (p.Ser350Asn). This variant also falls at the last nucleotide of exon 7, which is part of the consensus splice site for this exon. This variant is present in population databases (rs745426890, gnomAD 0.004%). This variant has not been reported in the literature in individuals affected with CSPP1-related conditions. ClinVar contains an entry for this variant (Variation ID: 2144535). An algorithm developed to predict the effect of missense changes on protein structure and function (PolyPhen-2) suggests that this variant is likely to be tolerated. Variants that disrupt the consensus splice site are a relatively common cause of aberrant splicing (PMID: 17576681, 9536098). Algorithms developed to predict the effect of sequence changes on RNA splicing suggest that this variant may disrupt the consensus splice site. In summary, the available evidence is currently insufficient to determine the role of this variant in disease. Therefore, it has been classified as a Variant of Uncertain Significance.

Literature cited by the submitters: PubMed 17576681 (cited by Labcorp Genetics (formerly Invitae), Labcorp); PubMed 9536098 (cited by Labcorp Genetics (formerly Invitae), Labcorp).

NM_001382391.1(CSPP1):c.1022G>A (p.Ser341Asn)

Gene: CSPP1 (centrosome and spindle pole associated protein 1; plus strand). Cytogenetic location: 8q13.2.
Variant type: single nucleotide variant.
Coding change: c.1022G>A on transcript NM_001382391.1 (MANE Select); coding-DNA position 1022, G replaced by A.
Protein change: p.Ser341Asn; replaces serine 341 with asparagine.
Molecular consequence: missense variant. On other transcripts: intron variant (1).
Genome position (GRCh38, 1-based): chr8:67,103,135, G>A. VCF-style: chr8-67103135-G-A. GRCh37 (hg19) VCF-style: chr8-68015370-G-A.
Other names: p.S350N; c.167G>A, p.Ser56Asn (NM_001291339.2); c.941G>A, p.Ser314Asn (NM_001363131.2, NM_001363133.2); c.1022G>A, p.Ser341Asn (NM_001363132.2); c.1130G>A, p.Ser377Asn (NM_001364869.1); c.1049G>A, p.Ser350Asn (NM_024790.7); c.951-2770G>A (NM_001364870.1); short protein forms S350N, S377N, S341N, S56N, S314N.
Identifiers: ClinVar variation 2144535 (VCV002144535.5), dbSNP rs745426890, ClinGen allele CA4770412.